The following is an entry in ClinVar:

NM_001048174.2(MUTYH):c.230_242del (p.Asp77fs)

Gene: MUTYH (mutY DNA glycosylase; minus strand). Cytogenetic location: 1p34.1.
Variant type: Deletion.
Coding change: c.230_242del on transcript NM_001048174.2 (MANE Select); coding-DNA positions 230 to 242, 13 bases deleted (ACCAAGAGAAACG).
Protein change: p.Asp77fs; shifts the reading frame from aspartic acid 77.
Molecular consequence: frameshift variant. On other transcripts: 5 prime UTR variant (4), non-coding transcript variant (2).
Genome position (GRCh38, 1-based): chr1:45,333,435-45,333,447, CGTTTCTCTTGGT deleted on the plus strand (ACCAAGAGAAACG on the coding strand, the reverse complement: MUTYH is on the minus strand); deleting any 13 consecutive bases within chr1:45,333,435-45,333,450 gives the same sequence; the c. name uses the placement nearest the transcript's 3' end. VCF-style (leftmost placement, unchanged base first): chr1-45333434-CCGTTTCTCTTGGT-C. GRCh37 (hg19) VCF-style: chr1-45799106-CCGTTTCTCTTGGT-C.
Other names: c.230_242del, p.Asp77fs (NM_001048171.2, NM_001048173.2, NM_001293195.2); c.233_245del, p.Asp78fs (NM_001048172.2); c.314_326del, p.Asp105fs (NM_001128425.2); c.275_287del, p.Asp92fs (NM_001293190.2); c.263_275del, p.Asp88fs (NM_001293191.2); c.-47_-35del (NM_001293192.2, NM_001293196.2); c.-42_-30del (NM_001350650.2, NM_001350651.2); c.302_314delACGACCAAGAGAA, p.Asp102Glyfs (NM_001407069.1); and 9 more; short protein forms D102fs, D77fs, D105fs, D78fs, D88fs, D92fs.
Identifiers: ClinVar variation 2026521 (VCV002026521.4), dbSNP rs2524263141, ClinGen allele CA2580063276.
Genomic context (GRCh38, chr1:45,333,434, plus strand): 5'-CTGCCTCCCACCCACTGTCCCTGCTCCTCGCCTGCCTACCCGTCTTCTCCATGGTAGGTC[CCGTTTCTCTTGGT>C]CGTACCAGCTTAGCAGGCTCCCTCGGAAGGCTGTGACTTCAGCTACGTCTCTGAATAGAT-3'

ClinVar aggregate classification (germline): Pathogenic (1 of 4 stars; one submission).

Conditions:
Familial adenomatous polyposis 2. Also called: COLORECTAL ADENOMATOUS POLYPOSIS, AUTOSOMAL RECESSIVE; ADENOMAS, MULTIPLE COLORECTAL, AUTOSOMAL RECESSIVE; Adenomas, multiple colorectal; MYH-associated polyposis; MUTYH-associated polyposis; MUTYH-related attenuated familial adenomatous polyposis. Identifiers: Orphanet 220460, Orphanet 247798, MedGen C3272841, MONDO:0012041, OMIM 608456.

Submission:

Labcorp Genetics (formerly Invitae), Labcorp
Classification: Pathogenic for Familial adenomatous polyposis 2. Last evaluated: 2022-08-24. Review status: criteria provided, single submitter. Criteria: Invitae Variant Classification Sherloc (09022015). Collection method: clinical testing. Allele origin: germline.
Comment: This sequence change creates a premature translational stop signal (p.Asp105Glyfs*37) in the MUTYH gene. It is expected to result in an absent or disrupted protein product. Loss-of-function variants in MUTYH are known to be pathogenic (PMID: 18534194, 20663686). This variant is not present in population databases (gnomAD no frequency). This variant has not been reported in the literature in individuals affected with MUTYH-related conditions. Algorithms developed to predict the effect of sequence changes on RNA splicing suggest that this variant may disrupt the consensus splice site. For these reasons, this variant has been classified as Pathogenic.

Literature cited by the submitters: PubMed 18534194; PubMed 20663686.